The following is an entry in ClinVar:

NM_004168.4(SDHA):c.1923T>C (p.Tyr641=)

Gene: SDHA (succinate dehydrogenase complex flavoprotein subunit A; plus strand). Cytogenetic location: 5p15.33.
Variant type: single nucleotide variant.
Coding change: c.1923T>C on transcript NM_004168.4 (MANE Select); coding-DNA position 1923, T replaced by C.
Protein change: p.Tyr641=; no amino-acid change (tyrosine 641 retained).
Molecular consequence: synonymous variant.
Genome position (GRCh38, 1-based): chr5:256,348, T>C. VCF-style: chr5-256348-T-C. GRCh37 (hg19) VCF-style: chr5-256463-T-C.
Other names: c.1779T>C, p.Tyr593= (NM_001294332.2); c.1680T>C, p.Tyr560= (NM_001330758.2).
Identifiers: ClinVar variation 472373 (VCV000472373.20), dbSNP rs1444319863, ClinGen allele CA359002659.

ClinVar aggregate classification (germline): Benign/Likely benign. Review status: criteria provided, multiple submitters, no conflicts (2 of 4 stars). 5 submissions from 5 submitters: Benign (1); Likely benign (3). 1 of the submissions does not count toward it. Last evaluated 2026-01-31.

Conditions:
Hereditary cancer-predisposing syndrome. Also called: Neoplastic Syndromes, Hereditary; Hereditary Cancer Syndrome; Hereditary neoplastic syndrome; Tumor predisposition. Identifiers: Orphanet 140162, MedGen C0027672, MeSH D009386, MONDO:0015356.
Pheochromocytoma/paraganglioma syndrome 5. Also called: Paragangliomas 5; SDHA-Related Hereditary Paraganglioma-Pheochromocytoma Syndrome. Identifiers: Orphanet 29072, MedGen C3279992, MONDO:0013602, OMIM 614165.
Mitochondrial complex II deficiency, nuclear type 1. Also called: SUCCINATE CoQ REDUCTASE DEFICIENCY. Identifiers: Orphanet 3208, MedGen C5700310, MONDO:0100294, OMIM 252011.
SDHA-related disorder. Also called: SDHA-related condition; SDHA-related disorders.

Allele frequency attached by ClinVar (database versions not stated): gnomAD exomes below 0.00001; TOPMed below 0.00001; gnomAD 0.00001.
gnomAD v4.1: 7 of 1,613,498 alleles (0.00043%); highest among the groups gnomAD compares: Non-Finnish European, 0.00059%; no homozygotes.

Submissions (5):

Labcorp Genetics (formerly Invitae), Labcorp
Classification: Likely benign for Pheochromocytoma/paraganglioma syndrome 5; Mitochondrial complex II deficiency, nuclear type 1. Last evaluated: 2026-01-31. Review status: criteria provided, single submitter. Criteria: Invitae Variant Classification Sherloc (09022015). Collection method: clinical testing. Allele origin: germline.

Myriad Genetics, Inc.
Classification: Benign for Pheochromocytoma/paraganglioma syndrome 5. Last evaluated: 2025-03-11. Review status: criteria provided, single submitter. Criteria: Myriad Autosomal Dominant, Autosomal Recessive and X-Linked Classification Criteria (2023). Collection method: clinical testing. Allele origin: unknown.
Comment: This variant is considered benign. This variant is a silent/synonymous amino acid change and it is not expected to impact splicing.

Women's Health and Genetics/Laboratory Corporation of America, LabCorp
Classification: Likely benign. Last evaluated: 2024-10-29. Review status: criteria provided, single submitter. Criteria: LabCorp Variant Classification Summary - May 2015. Collection method: clinical testing. Allele origin: germline.

Ambry Genetics
Classification: Likely benign for Hereditary cancer-predisposing syndrome. Last evaluated: 2017-05-18. Review status: criteria provided, single submitter. Criteria: Ambry Variant Classification Scheme 2023. Collection method: clinical testing. Allele origin: germline.

PreventionGenetics, part of Exact Sciences
Classification: Likely benign for SDHA-related condition. Last evaluated: 2023-03-28. Review status: no assertion criteria provided. Collection method: clinical testing. Allele origin: germline. Not counted in ClinVar's aggregate classification.
Comment: This variant is classified as likely benign based on ACMG/AMP sequence variant interpretation guidelines (Richards et al. 2015 PMID: 25741868, with internal and published modifications).